The following is an entry in ClinVar:

ClinVar aggregate classification (germline): Uncertain significance. Review status: criteria provided, multiple submitters, no conflicts (2 of 4 stars). 2 submissions from 2 submitters: Uncertain significance (2). Last evaluated 2024-04-23.

Conditions:
Cornelia de Lange syndrome 1 (CDLS1). Also called: TYPUS DEGENERATIVUS AMSTELODAMENSIS; Brachmann de Lange syndrome; NIPBL-Related Cornelia de Lange Syndrome. Identifiers: Orphanet 199, MedGen C4551851, MONDO:0007387, OMIM 122470.

Submissions (2):

Fulgent Genetics
Classification: Uncertain significance for Cornelia de Lange syndrome 1. Last evaluated: 2024-04-23. Review status: criteria provided, single submitter. Criteria: ACMG Guidelines, 2015. Collection method: clinical testing. Allele origin: germline.

Labcorp Genetics (formerly Invitae), Labcorp
Classification: Uncertain significance for Cornelia de Lange syndrome 1. Last evaluated: 2023-01-17. Review status: criteria provided, single submitter. Criteria: Invitae Variant Classification Sherloc (09022015). Collection method: clinical testing. Allele origin: germline.
Comment: In summary, the available evidence is currently insufficient to determine the role of this variant in disease. Therefore, it has been classified as a Variant of Uncertain Significance. Experimental studies and prediction algorithms are not available or were not evaluated, and the functional significance of this variant is currently unknown. This variant has not been reported in the literature in individuals affected with NIPBL-related conditions. This variant is present in population databases (rs769307619, gnomAD 0.008%). This variant, c.2460_2462del, results in the deletion of 1 amino acid(s) of the NIPBL protein (p.Asn820del), but otherwise preserves the integrity of the reading frame.

NM_133433.4(NIPBL):c.2457TAA[1] (p.Asn820del)

Gene: NIPBL (NIPBL cohesin loading factor; plus strand). Cytogenetic location: 5p13.2.
Variant type: Microsatellite.
Coding change: c.2457TAA[1] on transcript NM_133433.4 (MANE Select); one copy of the 3-base unit TAA starting at c.2457; the reference has two copies in a row; one copy, 3 bases deleted; also written c.2460_2462del.
Protein change: p.Asn820del; deletes asparagine 820.
Molecular consequence: inframe deletion.
Genome position (GRCh38, 1-based): chr5:36,985,640-36,985,642, TAA deleted; deleting any 3 consecutive bases within chr5:36,985,636-36,985,642 gives the same sequence; the position shown is the placement nearest the transcript's 3' end. VCF-style (leftmost placement, unchanged base first): chr5-36985635-GATA-G. GRCh37 (hg19) VCF-style: chr5-36985737-GATA-G.
Other names: c.2457TAA[1], p.Asn820del (NM_015384.5); c.2460_2462del (NM_133433.4); short protein forms N820del.
Identifiers: ClinVar variation 2898807 (VCV002898807.4), dbSNP rs769307619, ClinGen allele CA3236173.